The following is an entry in ClinVar:

NM_015629.4(PRPF31):c.945+8G>A

Gene: PRPF31 (pre-mRNA processing factor 31; plus strand). Cytogenetic location: 19q13.42.
Variant type: single nucleotide variant.
Coding change: c.945+8G>A on transcript NM_015629.4 (MANE Select); 8 bases into the intron after coding-DNA position 945, G replaced by A.
Molecular consequence: intron variant.
Genome position (GRCh38, 1-based): chr19:54,126,625, G>A. VCF-style: chr19-54126625-G-A. GRCh37 (hg19) VCF-style: chr19-54630000-G-A.
Other names: c.945+8G>A (NM_015629.3).
Identifiers: ClinVar variation 1169077 (VCV001169077.11), dbSNP rs201109588, ClinGen allele CA407751963.

ClinVar aggregate classification (germline): Benign/Likely benign. Review status: criteria provided, multiple submitters, no conflicts (2 of 4 stars). 3 submissions from 3 submitters: Benign (1); Likely benign (2). Last evaluated 2025-12-15.

Conditions:
PRPF31-related disorder. Also called: PRPF31-related condition.

Allele frequency attached by ClinVar (database versions not stated): 1000 Genomes Project 0.00140; 1000 Genomes Project 30x 0.00141.
gnomAD v4.1: 80 of 1,613,006 alleles (0.005%); highest among the groups gnomAD compares: African/African-American, 0.071%; no homozygotes.

Submissions (3):

Labcorp Genetics (formerly Invitae), Labcorp
Classification: Benign. Last evaluated: 2025-12-15. Review status: criteria provided, single submitter. Criteria: Invitae Variant Classification Sherloc (09022015). Collection method: clinical testing. Allele origin: germline.

PreventionGenetics, part of Exact Sciences
Classification: Likely benign for PRPF31-related condition. Last evaluated: 2024-12-30. Review status: criteria provided, single submitter. Criteria: ACMG Guidelines, 2015. Collection method: clinical testing. Allele origin: germline.
Comment: This variant is classified as likely benign based on ACMG/AMP sequence variant interpretation guidelines (Richards et al. 2015 PMID: 25741868, with internal and published modifications).

Blueprint Genetics
Classification: Likely benign. Last evaluated: 2024-03-12. Review status: criteria provided, single submitter. Criteria: ACMG Guidelines, 2015. Collection method: clinical testing. Allele origin: germline.